The following is an entry in ClinVar:

ClinVar aggregate classification (germline): Uncertain significance (1 of 4 stars; one submission).

Conditions:
Inborn genetic diseases. Identifiers: MedGen C0950123, MeSH D030342.

Allele frequency attached by ClinVar (database versions not stated): gnomAD 0.00001.

Submission:

Ambry Genetics
Classification: Uncertain significance for Inborn genetic diseases. Last evaluated: 2023-07-05. Review status: criteria provided, single submitter. Criteria: Ambry Variant Classification Scheme 2023. Collection method: clinical testing. Allele origin: germline.
Comment: The p.L19P variant (also known as c.56T>C), located in coding exon 1 of the CDH2 gene, results from a T to C substitution at nucleotide position 56. The leucine at codon 19 is replaced by proline, an amino acid with similar properties. This amino acid position is conserved. In addition, this alteration is predicted to be tolerated by in silico analysis. Since supporting evidence is limited at this time, the clinical significance of this alteration remains unclear.

NM_001792.5(CDH2):c.56T>C (p.Leu19Pro)

Gene: CDH2 (cadherin 2; minus strand). Cytogenetic location: 18q12.1.
Variant type: single nucleotide variant.
Coding change: c.56T>C on transcript NM_001792.5 (MANE Select); coding-DNA position 56, T replaced by C.
Protein change: p.Leu19Pro; replaces leucine 19 with proline.
Molecular consequence: missense variant.
Genome position (GRCh38, 1-based): chr18:28,176,967, A>G on the plus strand (T>C on the coding strand, the complement: CDH2 is on the minus strand). VCF-style: chr18-28176967-A-G. GRCh37 (hg19) VCF-style: chr18-25756931-A-G.
Other names: short protein forms L19P.
Identifiers: ClinVar variation 2586028 (VCV002586028.2), dbSNP rs2016554850, ClinGen allele CA402245036.